The following is an entry in ClinVar:

ClinVar aggregate classification (germline): Benign/Likely benign. Review status: criteria provided, multiple submitters, no conflicts (2 of 4 stars). 3 submissions from 3 submitters: Benign (1); Likely benign (1). 1 of the submissions does not count toward it. Last evaluated 2025-05-22.

Conditions:
KMT2D-related disorder. Also called: KMT2D-Related Disorders.
Kabuki syndrome. Also called: Kabuki make-up syndrome; NIIKAWA-KUROKI SYNDROME. Identifiers: Orphanet 2322, MedGen C0796004, MONDO:0016512.

Allele frequency attached by ClinVar (database versions not stated): ExAC 0.00002; gnomAD exomes 0.00002; TOPMed 0.00002.
gnomAD v4.1: 36 of 1,613,212 alleles (0.0022%); highest among the groups gnomAD compares: South Asian, 0.0044%; no homozygotes.

Submissions (3):

Labcorp Genetics (formerly Invitae), Labcorp
Classification: Benign for Kabuki syndrome. Last evaluated: 2025-05-22. Review status: criteria provided, single submitter. Criteria: Invitae Variant Classification Sherloc (09022015). Collection method: clinical testing. Allele origin: germline.

Blueprint Genetics
Classification: Likely benign. Last evaluated: 2024-06-27. Review status: criteria provided, single submitter. Criteria: ACMG Guidelines, 2015. Collection method: clinical testing. Allele origin: germline.

PreventionGenetics, part of Exact Sciences
Classification: Likely benign for KMT2D-related condition. Last evaluated: 2024-03-22. Review status: no assertion criteria provided. Collection method: clinical testing. Allele origin: germline. Not counted in ClinVar's aggregate classification.
Comment: This variant is classified as likely benign based on ACMG/AMP sequence variant interpretation guidelines (Richards et al. 2015 PMID: 25741868, with internal and published modifications).

NM_003482.4(KMT2D):c.554G>A (p.Arg185His)

Gene: KMT2D (lysine methyltransferase 2D; minus strand). Cytogenetic location: 12q13.12.
Variant type: single nucleotide variant.
Coding change: c.554G>A on transcript NM_003482.4 (MANE Select); coding-DNA position 554, G replaced by A.
Protein change: p.Arg185His; replaces arginine 185 with histidine.
Molecular consequence: missense variant.
Genome position (GRCh38, 1-based): chr12:49,054,097, C>T on the plus strand (G>A on the coding strand, the complement: KMT2D is on the minus strand). VCF-style: chr12-49054097-C-T. GRCh37 (hg19) VCF-style: chr12-49447880-C-T.
Other names: short protein forms R185H.
Identifiers: ClinVar variation 2191109 (VCV002191109.6), dbSNP rs771025627, ClinGen allele CA6548702.